The following is an entry in ClinVar:

NM_201384.3(PLEC):c.8175G>A (p.Thr2725=)

Gene: PLEC (plectin; minus strand). Cytogenetic location: 8q24.3.
Variant type: single nucleotide variant.
Coding change: c.8175G>A on transcript NM_201384.3 (MANE Select); coding-DNA position 8175, G replaced by A.
Protein change: p.Thr2725=; no amino-acid change (threonine 2725 retained).
Molecular consequence: synonymous variant.
Genome position (GRCh38, 1-based): chr8:143,921,646, C>T on the plus strand (G>A on the coding strand, the complement: PLEC is on the minus strand). VCF-style: chr8-143921646-C-T. GRCh37 (hg19) VCF-style: chr8-144995814-C-T.
Other names: c.8256G>A, p.Thr2752= (NM_000445.5); c.8133G>A, p.Thr2711= (NM_201378.4); c.8109G>A, p.Thr2703= (NM_201379.3); c.8586G>A, p.Thr2862= (NM_201380.4); c.8079G>A, p.Thr2693= (NM_201381.3); c.8175G>A, p.Thr2725= (NM_201382.4); c.8187G>A, p.Thr2729= (NM_201383.3).
Identifiers: ClinVar variation 511894 (VCV000511894.13), dbSNP rs1209777415, ClinGen allele CA463532414.

ClinVar aggregate classification (germline): Conflicting classifications of pathogenicity. Review status: criteria provided, conflicting classifications (1 of 4 stars). 4 submissions from 4 submitters: Uncertain significance (1); Likely benign (3). Last evaluated 2025-06-17.

Conditions:
Autosomal recessive limb-girdle muscular dystrophy type 2Q (LGMDR17). Also called: MUSCULAR DYSTROPHY, LIMB-GIRDLE, AUTOSOMAL RECESSIVE 17. Identifiers: Orphanet 254361, MedGen C3150989, MONDO:0013390, OMIM 613723.
Epidermolysis bullosa simplex 5C, with pyloric atresia (EBS5C). Also called: Epidermolysis bullosa simplex with pyloric atresia; PLEC-Related Epidermolysis Bullosa with Pyloric Atresia; PLEC1-Related Epidermolysis Bullosa with Pyloric Atresia. Identifiers: Orphanet 158684, MedGen C2677349, MONDO:0012807, OMIM 612138.
Epidermolysis bullosa simplex 5B, with muscular dystrophy (EBS5B). Also called: EPIDERMOLYSIS BULLOSA SIMPLEX AND LIMB-GIRDLE MUSCULAR DYSTROPHY; Epidermolysis bullosa simplex with muscular dystrophy. Identifiers: Orphanet 257, MedGen C2931072, MONDO:0009181, OMIM 226670.
Epidermolysis bullosa simplex with nail dystrophy (EBS5D). Identifiers: MedGen C4225309, MONDO:0014661, OMIM 616487.
Epidermolysis bullosa simplex, Ogna type (EBS5A). Also called: Pidermolysis bullosa simplex 5A, Ogna type; EPIDERMOLYSIS BULLOSA SIMPLEX 5A, OGNA TYPE. Identifiers: Orphanet 79401, MedGen C0432317, MONDO:0007555, OMIM 131950.
Inborn genetic diseases. Identifiers: MedGen C0950123, MeSH D030342.

Allele frequency attached by ClinVar (database versions not stated): gnomAD 0.00001; gnomAD exomes 0.00001; TOPMed 0.00001.
gnomAD v4.1: 28 of 1,612,946 alleles (0.0017%); highest among the groups gnomAD compares: South Asian, 0.0033%; no homozygotes.

Submissions (4):

Ambry Genetics
Classification: Likely benign for Inborn genetic diseases. Last evaluated: 2025-06-17. Review status: criteria provided, single submitter. Criteria: Ambry Variant Classification Scheme 2023. Collection method: clinical testing. Allele origin: germline.

Labcorp Genetics (formerly Invitae), Labcorp
Classification: Likely benign for Autosomal recessive limb-girdle muscular dystrophy type 2Q; Epidermolysis bullosa simplex, Ogna type; Epidermolysis bullosa simplex with nail dystrophy; Epidermolysis bullosa simplex 5C, with pyloric atresia; Epidermolysis bullosa simplex 5B, with muscular dystrophy. Last evaluated: 2022-06-04. Review status: criteria provided, single submitter. Criteria: Invitae Variant Classification Sherloc (09022015). Collection method: clinical testing. Allele origin: germline.

GeneDx
Classification: Likely benign. Last evaluated: 2017-09-07. Review status: criteria provided, single submitter. Criteria: GeneDx Variant Classification (06012015). Collection method: clinical testing. Allele origin: germline. Affected: yes.
Comment: This variant is considered likely benign or benign based on one or more of the following criteria: it is a conservative change, it occurs at a poorly conserved position in the protein, it is predicted to be benign by multiple in silico algorithms, and/or has population frequency not consistent with disease.

Eurofins Ntd Llc (ga)
Classification: Uncertain significance. Last evaluated: 2017-08-22. Review status: criteria provided, single submitter. Criteria: EGL Classification Definitions 2015. Collection method: clinical testing. Allele origin: germline. Observed: 1 variant allele, 1 heterozygote.